The following is an entry in ClinVar:

ClinVar aggregate classification (germline): Pathogenic (1 of 4 stars; one submission).

Submission:

Labcorp Genetics (formerly Invitae), Labcorp
Classification: Pathogenic. Last evaluated: 2019-11-09. Review status: criteria provided, single submitter. Criteria: Invitae Variant Classification Sherloc (09022015). Collection method: clinical testing. Allele origin: germline.
Comment: For these reasons, this variant has been classified as Pathogenic. Loss-of-function variants in COL7A1 are known to be pathogenic (PMID: 16971478). This variant has not been reported in the literature in individuals with COL7A1-related conditions. This variant is not present in population databases (ExAC no frequency). This sequence change creates a premature translational stop signal (p.Lys2005Argfs*92) in the COL7A1 gene. It is expected to result in an absent or disrupted protein product.

Literature cited by the submitters: PubMed 16971478.

NM_000094.4(COL7A1):c.6014_6021delinsGGG (p.Lys2005fs)

Gene: COL7A1 (collagen type VII alpha 1 chain; minus strand). Cytogenetic location: 3p21.31.
Variant type: Indel.
Coding change: c.6014_6021delinsGGG on transcript NM_000094.4 (MANE Select); coding-DNA positions 6014 to 6021, AGGGCGAC replaced by GGG.
Protein change: p.Lys2005fs; shifts the reading frame from lysine 2005.
Molecular consequence: frameshift variant.
Genome position (GRCh38, 1-based): chr3:48,575,498-48,575,505, GTCGCCCT replaced by CCC on the plus strand (AGGGCGAC replaced by GGG on the coding strand, the reverse complement: COL7A1 is on the minus strand). VCF-style: chr3-48575498-GTCGCCCT-CCC. GRCh37 (hg19) VCF-style: chr3-48612931-GTCGCCCT-CCC.
Other names: short protein forms K2005fs.
Identifiers: ClinVar variation 971355 (VCV000971355.6), dbSNP rs2044235455, ClinGen allele CA1139658059.